The following is an entry in ClinVar:

NM_000187.4(HGD):c.566G>T (p.Ser189Ile)

Gene: HGD (homogentisate 1,2-dioxygenase; minus strand). Cytogenetic location: 3q13.33.
Variant type: single nucleotide variant.
Coding change: c.566G>T on transcript NM_000187.4 (MANE Select); coding-DNA position 566, G replaced by T.
Protein change: p.Ser189Ile; replaces serine 189 with isoleucine.
Molecular consequence: missense variant.
Genome position (GRCh38, 1-based): chr3:120,646,350, C>A on the plus strand (G>T on the coding strand, the complement: HGD is on the minus strand). VCF-style: chr3-120646350-C-A. GRCh37 (hg19) VCF-style: chr3-120365197-C-A.
Other names: short protein forms S189I.
Identifiers: ClinVar variation 1065558 (VCV001065558.2), dbSNP rs2107510544, ClinGen allele CA354076785.

ClinVar aggregate classification (germline): Likely pathogenic. Review status: criteria provided, single submitter (1 of 4 stars). 2 submissions from 2 submitters: Likely pathogenic (1). 1 of the submissions does not count toward it. Last evaluated 2019-12-30.

Conditions:
Alkaptonuria (AKU). Also called: HOMOGENTISIC ACID OXIDASE DEFICIENCY; Alcaptonuria; Homogentisic acidura; Alkaptonuric ochronosis. Identifiers: Orphanet 56, MedGen C0002066, MONDO:0008753, OMIM 203500.

Allele frequency attached by ClinVar (database versions not stated): gnomAD exomes below 0.00001.
gnomAD v4.1: 3 of 1,611,442 alleles (0.00019%); highest among the groups gnomAD compares: Non-Finnish European, 0.00025%; no homozygotes.

Submissions (2):

NxGen MDx
Classification: Likely pathogenic for Alkaptonuria. Last evaluated: 2019-12-30. Review status: criteria provided, single submitter. Criteria: ACMG Guidelines, 2015. Collection method: clinical testing. Allele origin: unknown.
Comment: This sequence change (c.566G>T) on exon 9 of HGD results in a change of polarity of the residue (p.Ser189Ile). This variant is not found in GnomAD exomes (PM2) and has pathogenic predictions by numerous computational models (PP3). Uniprot reports this variant as associated with Alkaptonuria based on BeltrÃ¡n-Valero de BernabÃ© et al. PMID 9529363 reporting 2 affected members of an Algerian family (PP5). Additionally, Rodriguez et al. PMID 11001939 demonstrated this variant to result in 3.4% residual enzyme activity and produce an insoluble protein in an E. coli model system. We interpret c.566G>T to be likely pathogenic.

Department Of Human Genetics, Institute Of Clinical And Translational Research, Biomedical Research Center, Slovak Academy Of Sciences
Classification: Pathogenic for Alkaptonuria. Review status: no assertion criteria provided. Collection method: research. Allele origin: germline. Inheritance: Autosomal recessive inheritance. Affected: yes. Observed: 2 variant alleles. Not counted in ClinVar's aggregate classification.
Comment: The variant was originally described in AKU patient in PMID:9529363. It has been submitted to the HGD gene mutation database (DB-ID: AKU_00062).

Literature cited by the submitters: PubMed 1001939 (cited by NxGen MDx); PubMed 9529363 (cited by NxGen MDx and Department Of Human Genetics, Institute Of Clinical And Translational Research, Biomedical Research Center, Slovak Academy Of Sciences).